The following is an entry in ClinVar:

NM_004385.5(VCAN):c.4014T>A (p.Ser1338Arg)

Genes: VCAN (versican; plus strand), VCAN-AS1 (VCAN antisense RNA 1; minus strand). Cytogenetic location: 5q14.3.
Variant type: single nucleotide variant.
Coding change: c.4014T>A on transcript NM_004385.5 (MANE Select); coding-DNA position 4014, T replaced by A.
Protein change: p.Ser1338Arg; replaces serine 1338 with arginine.
Molecular consequence: missense variant. On other transcripts: intron variant (2).
Genome position (GRCh38, 1-based): chr5:83,537,017, T>A. VCF-style: chr5-83537017-T-A. GRCh37 (hg19) VCF-style: chr5-82832836-T-A.
Other names: c.1053T>A, p.Ser351Arg (NM_001164097.2); c.4004-8520T>A (NM_001164098.2); c.1043-8520T>A (NM_001126336.3); short protein forms S1338R, S351R.
Identifiers: ClinVar variation 2001774 (VCV002001774.4), dbSNP rs374892359, ClinGen allele CA360307309.
Genomic context (GRCh38, chr5:83,537,017, plus strand): 5'-ACACTGCCAAATTTTCTATTTAAGTATTGTGAAAACTCTGTTTTTTTCAGGTCGAATGAG[T>A]GATTTGAGTGTAATTGGTCATCCAATAGATTCAGAATCTAAAGAAGATGAACCTTGTAGT-3'
Protein context (NP_004376.2, residues 1328-1348): EVRENKTGRM[Ser1338Arg]DLSVIGHPID

ClinVar aggregate classification (germline): Uncertain significance (1 of 4 stars; one submission).

Submission:

Labcorp Genetics (formerly Invitae), Labcorp
Classification: Uncertain significance. Last evaluated: 2022-06-03. Review status: criteria provided, single submitter. Criteria: Invitae Variant Classification Sherloc (09022015). Collection method: clinical testing. Allele origin: germline.
Comment: In summary, the available evidence is currently insufficient to determine the role of this variant in disease. Therefore, it has been classified as a Variant of Uncertain Significance. Algorithms developed to predict the effect of missense changes on protein structure and function are either unavailable or do not agree on the potential impact of this missense change (SIFT: "Tolerated"; PolyPhen-2: "Probably Damaging"; Align-GVGD: "Class C0"). This variant has not been reported in the literature in individuals affected with VCAN-related conditions. This variant is not present in population databases (gnomAD no frequency). This sequence change replaces serine, which is neutral and polar, with arginine, which is basic and polar, at codon 1338 of the VCAN protein (p.Ser1338Arg).